The following is an entry in ClinVar:

ClinVar aggregate classification (germline): Conflicting classifications of pathogenicity. Review status: criteria provided, conflicting classifications (1 of 4 stars). 8 submissions from 8 submitters: Uncertain significance (7); Likely benign (1). Last evaluated 2025-10-13.

Conditions:
Inborn genetic diseases. Identifiers: MedGen C0950123, MeSH D030342.
Developmental and epileptic encephalopathy, 12 (DEE12). Identifiers: MedGen C3150988, MONDO:0013389, OMIM 613722.
Microcephaly, seizures, and developmental delay. Identifiers: Orphanet 1934, MedGen C3150667, MONDO:0013254, OMIM 613402.

Allele frequency attached by ClinVar (database versions not stated): gnomAD exomes 0.00001 and 0.00002; TOPMed 0.00005; gnomAD 0.00010; 1000 Genomes Project 30x 0.00016.
gnomAD v4.1: 40 of 1,566,720 alleles (0.0026%); highest among the groups gnomAD compares: African/African-American, 0.043%; no homozygotes.

Submissions (8):

Labcorp Genetics (formerly Invitae), Labcorp
Classification: Likely benign for Developmental and epileptic encephalopathy, 12. Last evaluated: 2025-10-13. Review status: criteria provided, single submitter. Criteria: Invitae Variant Classification Sherloc (09022015). Collection method: clinical testing. Allele origin: germline.

Women's Health and Genetics/Laboratory Corporation of America, LabCorp
Classification: Uncertain significance. Last evaluated: 2025-05-06. Review status: criteria provided, single submitter. Criteria: LabCorp Variant Classification Summary - May 2015. Collection method: clinical testing. Allele origin: germline.
Comment: Variant summary: PNKP c.994C>T (p.Pro332Ser) results in a non-conservative amino acid change in the encoded protein sequence. Algorithms developed to predict the effect of missense changes on protein structure and function are either unavailable or do not agree on the potential impact of this missense change. The variant allele was found at a frequency of 1.1e-05 in 176602 control chromosomes. The available data on variant occurrences in the general population are insufficient to allow any conclusion about variant significance. c.994C>T has been observed in an individual affected with epilepsy, without strong evidence for causality (Anazi_2022). This report does not provide unequivocal conclusions about association of the variant with Ataxia - oculomotor apraxia type 4. To our knowledge, no experimental evidence demonstrating an impact on protein function has been reported. The following publication has been ascertained in the context of this evaluation (PMID: 36539902). ClinVar contains an entry for this variant (Variation ID: 159804). Based on the evidence outlined above, the variant was classified as uncertain significance.

Blueprint Genetics
Classification: Uncertain significance. Last evaluated: 2023-11-23. Review status: criteria provided, single submitter. Criteria: ACMG Guidelines, 2015. Collection method: clinical testing. Allele origin: germline.

GeneDx
Classification: Uncertain significance. Last evaluated: 2022-08-12. Review status: criteria provided, single submitter. Criteria: GeneDx Variant Classification Process June 2021. Collection method: clinical testing. Allele origin: germline. Affected: yes.
Comment: In silico analysis supports that this missense variant does not alter protein structure/function; Has not been previously published as pathogenic or benign to our knowledge; This variant is associated with the following publications: (PMID: 22508754)

Ambry Genetics
Classification: Uncertain significance for Inborn genetic diseases. Last evaluated: 2018-11-28. Review status: criteria provided, single submitter. Criteria: Ambry Variant Classification Scheme 2023. Collection method: clinical testing. Allele origin: germline.
Comment: The p.P332S variant (also known as c.994C>T), located in coding exon 10 of the PNKP gene, results from a C to T substitution at nucleotide position 994. The proline at codon 332 is replaced by serine, an amino acid with similar properties. This amino acid position is not well conserved in available vertebrate species. In addition, this alteration is predicted to be tolerated by in silico analysis. Since supporting evidence is limited at this time, the clinical significance of this alteration remains unclear.

Eurofins Ntd Llc (ga)
Classification: Uncertain significance. Last evaluated: 2016-11-03. Review status: criteria provided, single submitter. Criteria: EGL Classification Definitions 2015. Collection method: clinical testing. Allele origin: germline. Observed: 1 variant allele, 1 heterozygote.

Genetic Services Laboratory, University of Chicago
Classification: Uncertain significance for Epileptic encephalopathy, early infantile, 10. Last evaluated: 2013-02-15. Review status: criteria provided, single submitter. Criteria: ACMG Guidelines, 2007. Collection method: clinical testing. Allele origin: germline. Inheritance: Autosomal recessive inheritance.

Breakthrough Genomics
Classification: Uncertain significance. Review status: criteria provided, single submitter. Criteria: ACMG Guidelines, 2015. Collection method: not provided. Allele origin: germline. Inheritance: Autosomal dominant inheritance. Affected: yes.

Literature cited by the submitters: PubMed 36539902 (cited by Women's Health and Genetics/Laboratory Corporation of America, LabCorp).

NM_007254.4(PNKP):c.994C>T (p.Pro332Ser)

Gene: PNKP (polynucleotide kinase 3'-phosphatase; minus strand). Cytogenetic location: 19q13.33.
Variant type: single nucleotide variant.
Coding change: c.994C>T on transcript NM_007254.4 (MANE Select); coding-DNA position 994, C replaced by T.
Protein change: p.Pro332Ser; replaces proline 332 with serine.
Molecular consequence: missense variant.
Genome position (GRCh38, 1-based): chr19:49,862,406, G>A on the plus strand (C>T on the coding strand, the complement: PNKP is on the minus strand). VCF-style: chr19-49862406-G-A. GRCh37 (hg19) VCF-style: chr19-50365663-G-A.
Other names: p.P332S:CCA>TCA; short protein forms P332S.
Identifiers: ClinVar variation 159804 (VCV000159804.30), dbSNP rs373922574, ClinGen allele CA251169.